The following is an entry in ClinVar:

ClinVar aggregate classification (germline): Uncertain significance (1 of 4 stars; one submission).

Submission:

Athena Diagnostics
Classification: Uncertain significance. Last evaluated: 2023-01-11. Review status: criteria provided, single submitter. Criteria: Athena Diagnostics Criteria. Collection method: clinical testing. Allele origin: unknown.
Comment: Available data are insufficient to determine the clinical significance of the variant at this time. The frequency of this variant in the general population is uninformative in assessment of its pathogenicity. Computational tools yielded predictions that this variant is unlikely to have an effect on normal RNA splicing. The variant is located in a region that is considered important for protein function and/or structure.

NM_003119.4(SPG7):c.920_925del (p.Ser307_Phe308del)

Gene: SPG7 (SPG7 matrix AAA peptidase subunit, paraplegin; plus strand). Cytogenetic location: 16q24.3.
Variant type: Deletion.
Coding change: c.920_925del on transcript NM_003119.4 (MANE Select); coding-DNA positions 920 to 925, 6 bases deleted (GCTTCA; older notation c.920_925delGCTTCA).
Protein change: p.Ser307_Phe308del.
Molecular consequence: inframe deletion.
Genome position (GRCh38, 1-based): chr16:89,530,741-89,530,746, GCTTCA deleted; deleting any 6 consecutive bases within chr16:89,530,738-89,530,746 gives the same sequence; the c. name uses the placement nearest the transcript's 3' end. VCF-style (leftmost placement, unchanged base first): chr16-89530737-GTCAGCT-G. GRCh37 (hg19) VCF-style: chr16-89597145-GTCAGCT-G.
Other names: c.920_925del, p.Ser307_Phe308del (NM_001363850.1, NM_199367.3).
Identifiers: ClinVar variation 2684021 (VCV002684021.1), dbSNP rs1567912649, ClinGen allele CA624244443.
Genomic context (GRCh38, chr16:89,530,737, plus strand): 5'-GCACAGAATCAGCTTAAAATGGCTCGTTTCACCATTGTGGATGGGAAGATGGGGAAAGGA[GTCAGCT>G]TCAAAGACGTGGCAGGAATGCACGAAGCCAAACTGGAAGTCCGCGAGTTTGTGGATTATC-3'